The following is an entry in ClinVar:

NM_004181.5(UCHL1):c.558C>T (p.Gly186=)

Gene: UCHL1 (ubiquitin C-terminal hydrolase L1; plus strand). Cytogenetic location: 4p13.
Variant type: single nucleotide variant.
Coding change: c.558C>T on transcript NM_004181.5 (MANE Select); coding-DNA position 558, C replaced by T.
Protein change: p.Gly186=; no amino-acid change (glycine 186 retained).
Molecular consequence: synonymous variant.
Genome position (GRCh38, 1-based): chr4:41,264,134, C>T. VCF-style: chr4-41264134-C-T. GRCh37 (hg19) VCF-style: chr4-41266151-C-T.
Identifiers: ClinVar variation 348774 (VCV000348774.17), dbSNP rs116680633, ClinGen allele CA2900080.

ClinVar aggregate classification (germline): Benign/Likely benign. Review status: criteria provided, multiple submitters, no conflicts (2 of 4 stars). 5 submissions from 5 submitters: Benign (2); Likely benign (3). Last evaluated 2025-12-15.

Conditions:
Parkinson disease 5, autosomal dominant, susceptibility to (PARK5). Also called: Parkinson disease 5, susceptibility to. Identifiers: Orphanet 2828, MedGen C3150899, MONDO:0013340, OMIM 613643.

Allele frequency attached by ClinVar (database versions not stated): ESP Exome Variant Server 0.00461; gnomAD 0.00510 and 0.00540; TOPMed 0.00576; 1000 Genomes Project 0.00799; 1000 Genomes Project 30x 0.00984; gnomAD exomes 0.00046 and 0.00140; ExAC 0.00161.
gnomAD v4.1: 1,497 of 1,614,170 alleles (0.093%); highest among the groups gnomAD compares: African/African-American, 1.7%; 12 homozygotes.

Submissions (5):

Labcorp Genetics (formerly Invitae), Labcorp
Classification: Benign. Last evaluated: 2025-12-15. Review status: criteria provided, single submitter. Criteria: Invitae Variant Classification Sherloc (09022015). Collection method: clinical testing. Allele origin: germline.

Blueprint Genetics
Classification: Likely benign. Last evaluated: 2024-10-22. Review status: criteria provided, single submitter. Criteria: ACMG Guidelines, 2015. Collection method: clinical testing. Allele origin: germline.

GeneDx
Classification: Likely benign. Last evaluated: 2021-09-10. Review status: criteria provided, single submitter. Criteria: GeneDx Variant Classification Process June 2021. Collection method: clinical testing. Allele origin: germline. Affected: yes.

Illumina Laboratory Services, Illumina
Classification: Benign for Parkinson disease 5, autosomal dominant, susceptibility to. Last evaluated: 2018-01-13. Review status: criteria provided, single submitter. Criteria: ICSL Variant Classification Criteria 13 December 2019. Collection method: clinical testing. Allele origin: germline.
Comment: This variant was observed in the ICSL laboratory as part of a predisposition screen in an ostensibly healthy population. It had not been previously curated by ICSL or reported in the Human Gene Mutation Database (HGMD: prior to June 1st, 2018), and was therefore a candidate for classification through an automated scoring system. Utilizing variant allele frequency, disease prevalence and penetrance estimates, and inheritance mode, an automated score was calculated to assess if this variant is too frequent to cause the disease. Based on the score and internal cut-off values, a variant classified as benign is not then subjected to further curation. The score for this variant resulted in a classification of benign for this disease.

Breakthrough Genomics
Classification: Likely benign. Review status: criteria provided, single submitter. Criteria: ACMG Guidelines, 2015. Collection method: not provided. Allele origin: germline. Inheritance: Autosomal recessive inheritance. Affected: yes.